The following is an entry in ClinVar:

ClinVar aggregate classification (germline): Uncertain significance (1 of 4 stars; one submission).

Allele frequency attached by ClinVar (database versions not stated): ExAC 0.00001; gnomAD exomes 0.00001.
gnomAD v4.1: 16 of 1,614,142 alleles (0.00099%); highest among the groups gnomAD compares: Non-Finnish European, 0.0014%; no homozygotes.

Submission:

Labcorp Genetics (formerly Invitae), Labcorp
Classification: Uncertain significance. Last evaluated: 2022-08-23. Review status: criteria provided, single submitter. Criteria: Invitae Variant Classification Sherloc (09022015). Collection method: clinical testing. Allele origin: germline.
Comment: In summary, the available evidence is currently insufficient to determine the role of this variant in disease. Therefore, it has been classified as a Variant of Uncertain Significance. Algorithms developed to predict the effect of missense changes on protein structure and function are either unavailable or do not agree on the potential impact of this missense change (SIFT: "Deleterious"; PolyPhen-2: "Probably Damaging"; Align-GVGD: "Class C0"). ClinVar contains an entry for this variant (Variation ID: 1382434). This variant has not been reported in the literature in individuals affected with BACH2-related conditions. This variant is present in population databases (rs747348520, gnomAD 0.002%). This sequence change replaces proline, which is neutral and non-polar, with leucine, which is neutral and non-polar, at codon 279 of the BACH2 protein (p.Pro279Leu).

NM_021813.4(BACH2):c.836C>T (p.Pro279Leu)

Gene: BACH2 (BACH transcriptional regulator 2; minus strand). Cytogenetic location: 6q15.
Variant type: single nucleotide variant.
Coding change: c.836C>T on transcript NM_021813.4 (MANE Select); coding-DNA position 836, C replaced by T.
Protein change: p.Pro279Leu; replaces proline 279 with leucine.
Molecular consequence: missense variant.
Genome position (GRCh38, 1-based): chr6:89,951,270, G>A on the plus strand (C>T on the coding strand, the complement: BACH2 is on the minus strand). VCF-style: chr6-89951270-G-A. GRCh37 (hg19) VCF-style: chr6-90660989-G-A.
Other names: c.836C>T, p.Pro279Leu (NM_001170794.2); short protein forms P279L.
Identifiers: ClinVar variation 1382434 (VCV001382434.6), dbSNP rs747348520, ClinGen allele CA3928104.